The following is an entry in ClinVar:

NM_005188.4(CBL):c.1401_1402dup (p.Phe468fs)

Gene: CBL (Cbl proto-oncogene; plus strand). Cytogenetic location: 11q23.3.
Variant type: Microsatellite.
Coding change: c.1401_1402dup on transcript NM_005188.4 (MANE Select); coding-DNA positions 1401 to 1402, 2 bases duplicated (CT; older notation c.1401_1402dupCT).
Protein change: p.Phe468fs; shifts the reading frame from phenylalanine 468.
Molecular consequence: frameshift variant.
Genome position (GRCh38, 1-based): chr11:119,278,683-119,278,684, CT duplicated; duplicating any 2 consecutive bases within chr11:119,278,679-119,278,684 gives the same sequence; the c. name uses the placement nearest the transcript's 3' end. VCF-style (leftmost placement, unchanged base first): chr11-119278678-A-ACT. GRCh37 (hg19) VCF-style: chr11-119149388-A-ACT.
Other names: short protein forms F468fs.
Identifiers: ClinVar variation 4723552 (VCV004723552.1).

ClinVar aggregate classification (germline): Uncertain significance (1 of 4 stars; one submission).

Conditions:
RASopathy. Also called: rasopathies; Noonan spectrum disorder. Identifiers: Orphanet 536391, MedGen C5555857, MONDO:0021060.

Submission:

Labcorp Genetics (formerly Invitae), Labcorp
Classification: Uncertain significance for RASopathy. Last evaluated: 2025-07-20. Review status: criteria provided, single submitter. Criteria: Invitae Variant Classification Sherloc (09022015). Collection method: clinical testing. Allele origin: germline.
Comment: This sequence change creates a premature translational stop signal (p.Phe468Serfs*3) in the CBL gene. It is expected to result in an absent or disrupted protein product. However, the current clinical and genetic evidence is not sufficient to establish whether loss-of-function variants in CBL cause disease. This variant is not present in population databases (gnomAD no frequency). This variant has not been reported in the literature in individuals affected with CBL-related conditions. In summary, the available evidence is currently insufficient to determine the role of this variant in disease. Therefore, it has been classified as a Variant of Uncertain Significance.